The following is an entry in ClinVar:

NM_000330.4(RS1):c.305G>C (p.Arg102Pro)

Genes: CDKL5 (cyclin dependent kinase like 5; plus strand), RS1 (retinoschisin 1; minus strand). Cytogenetic location: Xp22.13.
Variant type: single nucleotide variant.
Coding change: c.305G>C on transcript NM_000330.4 (MANE Select); coding-DNA position 305, G replaced by C.
Protein change: p.Arg102Pro; replaces arginine 102 with proline.
Molecular consequence: missense variant. On other transcripts: intron variant (2).
Genome position (GRCh38, 1-based): chrX:18,647,212, C>G on the plus strand (G>C on the coding strand, the complement: RS1 is on the minus strand). VCF-style: chrX-18647212-C-G. GRCh37 (hg19) VCF-style: chrX-18665332-C-G.
Other names: c.2797+1122C>G (NM_003159.3, NM_001037343.2); short protein forms R102P.
Identifiers: ClinVar variation 2053270 (VCV002053270.4), dbSNP rs61752068, ClinGen allele CA412372710.

ClinVar aggregate classification (germline): Likely pathogenic. Review status: criteria provided, multiple submitters, no conflicts (2 of 4 stars). 2 submissions from 2 submitters: Likely pathogenic (2). Last evaluated 2025-10-23.

gnomAD v4.1: 1 of 1,211,173 alleles (0.000083%); highest among the groups gnomAD compares: Non-Finnish European, 0.00011%; no homozygotes.

Submissions (2):

Dasa
Classification: Likely pathogenic. Last evaluated: 2025-10-23. Review status: criteria provided, single submitter. Criteria: DASA Assertion Criteria. Collection method: clinical testing. Allele origin: germline.
Comment: NM_000330.4(RS1):c.305G>C (p.Arg102Pro) is a missense variant that results in the substitution of arginine with proline. The affected residue or protein region has prior evidence supporting clinical relevance. This variant has been reported in individuals with related phenotype (PMID: 28272453). Multiple computational predictions support a deleterious effect on the gene or gene product. The variant is present at low frequency in population datasets. Based on the available data, this variant is classified as likely pathogenic.

Labcorp Genetics (formerly Invitae), Labcorp
Classification: Likely pathogenic. Last evaluated: 2022-10-27. Review status: criteria provided, single submitter. Criteria: Invitae Variant Classification Sherloc (09022015). Collection method: clinical testing. Allele origin: germline.
Comment: This sequence change replaces arginine, which is basic and polar, with proline, which is neutral and non-polar, at codon 102 of the RS1 protein (p.Arg102Pro). In summary, the currently available evidence indicates that the variant is pathogenic, but additional data are needed to prove that conclusively. Therefore, this variant has been classified as Likely Pathogenic. This variant disrupts the p.Arg102 amino acid residue in RS1. Other variant(s) that disrupt this residue have been determined to be pathogenic (PMID: 9618178, 17615541, 30652005; Invitae). This suggests that this residue is clinically significant, and that variants that disrupt this residue are likely to be disease-causing. Advanced modeling of protein sequence and biophysical properties (such as structural, functional, and spatial information, amino acid conservation, physicochemical variation, residue mobility, and thermodynamic stability) performed at Invitae indicates that this missense variant is expected to disrupt RS1 protein function. This missense change has been observed in individual(s) with X-linked retinoschisis (PMID: 28272453). This variant is not present in population databases (gnomAD no frequency).

Literature cited by the submitters: PubMed 28272453 (cited by Dasa and Labcorp Genetics (formerly Invitae), Labcorp); PubMed 9618178 (cited by Labcorp Genetics (formerly Invitae), Labcorp); PubMed 17615541 (cited by Labcorp Genetics (formerly Invitae), Labcorp); PubMed 30652005 (cited by Labcorp Genetics (formerly Invitae), Labcorp).